The following is an entry in ClinVar:

ClinVar aggregate classification (germline): Conflicting classifications of pathogenicity. Review status: criteria provided, conflicting classifications (1 of 4 stars). 8 submissions from 7 submitters: Uncertain significance (2); Likely benign (3). 3 of the submissions do not count toward it. Last evaluated 2025-07-14.

Conditions:
Stickler syndrome type 1 (STL1). Also called: STICKLER SYNDROME, MEMBRANOUS VITREOUS TYPE; STICKLER SYNDROME, VITREOUS TYPE 1; ARTHROOPHTHALMOPATHY, HEREDITARY PROGRESSIVE; COL2A1-Related Stickler Syndrome. Identifiers: Orphanet 828, Orphanet 90653, MedGen C2020284, MONDO:0007160, OMIM 108300.
Type 2 collagenopathy. Identifiers: Orphanet 93421, MedGen C2931073, MONDO:0022800.
COL2A1-related disorder. Also called: COL2A1-related condition; COL2A1-related disorders.

Allele frequency attached by ClinVar (database versions not stated): gnomAD exomes below 0.00001 and 0.00003; gnomAD 0.00003 and 0.00004; TOPMed 0.00004; ESP Exome Variant Server 0.00008.
gnomAD v4.1: 54 of 1,613,826 alleles (0.0033%); highest among the groups gnomAD compares: African/African-American, 0.0053%; no homozygotes.

Submissions (8):

Labcorp Genetics (formerly Invitae), Labcorp
Classification: Likely benign. Last evaluated: 2025-07-14. Review status: criteria provided, single submitter. Criteria: Invitae Variant Classification Sherloc (09022015). Collection method: clinical testing. Allele origin: germline.

Blueprint Genetics
Classification: Likely benign. Last evaluated: 2022-10-10. Review status: criteria provided, single submitter. Criteria: ACMG Guidelines, 2015. Collection method: clinical testing. Allele origin: germline.

GeneDx
Classification: Likely benign. Last evaluated: 2019-08-02. Review status: criteria provided, single submitter. Criteria: GeneDx Variant Classification Process June 2021. Collection method: clinical testing. Allele origin: germline. Affected: yes.

Illumina Laboratory Services, Illumina
Classification: Uncertain significance for Stickler syndrome type 1. Last evaluated: 2017-04-27. Review status: criteria provided, single submitter. Criteria: ICSL Variant Classification Criteria 13 December 2019. Collection method: clinical testing. Allele origin: germline.

Illumina Laboratory Services, Illumina
Classification: Uncertain significance for Type II Collagenopathies. Last evaluated: 2017-04-27. Review status: criteria provided, single submitter. Criteria: ICSL Variant Classification Criteria 13 December 2019. Collection method: clinical testing. Allele origin: germline.

PreventionGenetics, part of Exact Sciences
Classification: Likely benign for COL2A1-related condition. Last evaluated: 2019-09-23. Review status: no assertion criteria provided. Collection method: clinical testing. Allele origin: germline. Not counted in ClinVar's aggregate classification.
Comment: This variant is classified as likely benign based on ACMG/AMP sequence variant interpretation guidelines (Richards et al. 2015 PMID: 25741868, with internal and published modifications).

Clinical Genetics DNA and cytogenetics Diagnostics Lab, Erasmus MC, Erasmus Medical Center
Classification: Likely benign. Review status: no assertion criteria provided. Collection method: clinical testing. Allele origin: germline. Affected: yes. Study: VKGL Data-share Consensus. Not counted in ClinVar's aggregate classification.

Clinical Genetics, Academic Medical Center
Classification: Benign. Review status: no assertion criteria provided. Collection method: clinical testing. Allele origin: germline. Affected: yes. Study: VKGL Data-share Consensus. Not counted in ClinVar's aggregate classification.

NM_001844.5(COL2A1):c.3120C>T (p.Pro1040=)

Gene: COL2A1 (collagen type II alpha 1 chain; minus strand). Cytogenetic location: 12q13.11.
Variant type: single nucleotide variant.
Coding change: c.3120C>T on transcript NM_001844.5 (MANE Select); coding-DNA position 3120, C replaced by T.
Protein change: p.Pro1040=; no amino-acid change (proline 1040 retained).
Molecular consequence: synonymous variant.
Genome position (GRCh38, 1-based): chr12:47,977,645, G>A on the plus strand (C>T on the coding strand, the complement: COL2A1 is on the minus strand). VCF-style: chr12-47977645-G-A. GRCh37 (hg19) VCF-style: chr12-48371428-G-A.
Other names: c.2913C>T, p.Pro971= (NM_033150.3).
Identifiers: ClinVar variation 511979 (VCV000511979.21), dbSNP rs367982631, ClinGen allele CA236521255.